The following is an entry in ClinVar:

NM_015338.6(ASXL1):c.3398C>A (p.Ser1133Tyr)

Gene: ASXL1 (ASXL transcriptional regulator 1; plus strand). Cytogenetic location: 20q11.21.
Variant type: single nucleotide variant.
Coding change: c.3398C>A on transcript NM_015338.6 (MANE Select); coding-DNA position 3398, C replaced by A.
Protein change: p.Ser1133Tyr; replaces serine 1133 with tyrosine.
Molecular consequence: missense variant.
Genome position (GRCh38, 1-based): chr20:32,436,110, C>A. VCF-style: chr20-32436110-C-A. GRCh37 (hg19) VCF-style: chr20-31023913-C-A.
Other names: c.3215C>A, p.Ser1072Tyr (NM_001363734.1); short protein forms S1072Y, S1133Y.
Identifiers: ClinVar variation 3792374 (VCV003792374.1).

ClinVar aggregate classification (germline): Uncertain significance (1 of 4 stars; one submission).

Conditions:
Inborn genetic diseases. Identifiers: MedGen C0950123, MeSH D030342.

Submission:

Ambry Genetics
Classification: Uncertain significance for Inborn genetic diseases. Last evaluated: 2025-01-17. Review status: criteria provided, single submitter. Criteria: Ambry Variant Classification Scheme 2023. Collection method: clinical testing. Allele origin: germline.
Comment: The p.S1133Y variant (also known as c.3398C>A), located in coding exon 13 of the ASXL1 gene, results from a C to A substitution at nucleotide position 3398. The serine at codon 1133 is replaced by tyrosine, an amino acid with dissimilar properties. This amino acid position is conserved. In addition, this alteration is predicted to be tolerated by in silico analysis. Based on the available evidence, the clinical significance of this variant remains unclear.